The following is an entry in ClinVar:

ClinVar aggregate classification (germline): Pathogenic (1 of 4 stars; one submission).

Conditions:
Familial adenomatous polyposis 1 (FAP1). Also called: POLYPOSIS, ADENOMATOUS INTESTINAL; FAMILIAL ADENOMATOUS POLYPOSIS 1, ATTENUATED. Identifiers: MedGen C2713442, MONDO:0021056, OMIM 175100. Disease mechanism: loss of function.

Submission:

Labcorp Genetics (formerly Invitae), Labcorp
Classification: Pathogenic for Familial adenomatous polyposis 1. Last evaluated: 2023-01-26. Review status: criteria provided, single submitter. Criteria: Invitae Variant Classification Sherloc (09022015). Collection method: clinical testing. Allele origin: germline.
Comment: This sequence change creates a premature translational stop signal (p.Cys661Serfs*12) in the APC gene. While this is not anticipated to result in nonsense mediated decay, it is expected to disrupt the last 2183 amino acid(s) of the APC protein. This variant is not present in population databases (gnomAD no frequency). This premature translational stop signal has been observed in individual(s) with familial adenomatous polyposis (PMID: 8544194). This variant is also known as TGT>T frameshift codon 661. This variant is expected to disrupt the EB1 and HDLG binding sites, which mediate interactions with the cytoskeleton (PMID: 15311282, 17293347). While functional studies have not been performed to directly test the effect on APC protein function, this suggests that disruption of the C-terminal portion of the protein is functionally important. For these reasons, this variant has been classified as Pathogenic. A different truncation (p.Tyr2645Lysfs*14) that lies downstream of this variant has been determined to be pathogenic (PMID: 9824584, 1316610, 27081525, 8381579, 22135120, Invitae). This suggests that deletion of this region of the APC protein is causative of disease.

Literature cited by the submitters: PubMed 8544194; PubMed 15311282; PubMed 17293347; PubMed 9824584; PubMed 1316610; PubMed 27081525; PubMed 8381579; PubMed 22135120.

NM_000038.6(APC):c.1982_1983del (p.Cys661fs)

Gene: APC (APC regulator of Wnt signaling pathway; plus strand). Cytogenetic location: 5q22.2.
Variant type: Deletion.
Coding change: c.1982_1983del on transcript NM_000038.6 (MANE Select); coding-DNA positions 1982 to 1983, 2 bases deleted (GT; older notation c.1982_1983delGT).
Protein change: p.Cys661fs; shifts the reading frame from cysteine 661.
Molecular consequence: frameshift variant. On other transcripts: non-coding transcript variant (2).
Genome position (GRCh38, 1-based): chr5:112,837,576-112,837,577, GT deleted; deleting any 2 consecutive bases within chr5:112,837,575-112,837,577 gives the same sequence; the c. name uses the placement nearest the transcript's 3' end. VCF-style (leftmost placement, unchanged base first): chr5-112837574-CTG-C. GRCh37 (hg19) VCF-style: chr5-112173271-CTG-C.
Other names: c.1982_1983del, p.Cys661fs (NM_001127510.3, NM_001354895.2, NM_001407450.1); c.1928_1929del, p.Cys643fs (NM_001127511.3); c.2036_2037del, p.Cys679fs (NM_001354896.2, NM_001407447.1, NM_001407448.1 and 1 more transcripts); c.2012_2013del, p.Cys671fs (NM_001354897.2); c.1907_1908del, p.Cys636fs (NM_001354898.2); c.1898_1899del, p.Cys633fs (NM_001354899.2); c.1859_1860del, p.Cys620fs (NM_001354900.2); c.1805_1806del, p.Cys602fs (NM_001354901.2, NM_001407453.1); and 11 more; short protein forms C501fs, C602fs, C620fs, C654fs, C671fs, C679fs, C570fs, C651fs.
Identifiers: ClinVar variation 2734763 (VCV002734763.3), dbSNP rs2533389130, ClinGen allele CA2695205059.
Genomic context (GRCh38, chr5:112,837,574, plus strand): 5'-TTGTGACCTTAATTTTGTGATCTCTTGATTTTATTTCAGGCAAATCCTAAGAGAGAACAA[CTG>C]TCTACAAACTTTATTACAACACTTAAAATCTCATAGTTTGACAATAGTCAGTAATGCATG-3'